The following is an entry in ClinVar:

ClinVar aggregate classification (germline): Benign/Likely benign. Review status: criteria provided, multiple submitters, no conflicts (2 of 4 stars). 3 submissions from 3 submitters: Benign (1); Likely benign (2). Last evaluated 2024-09-20.

Conditions:
Hereditary cancer-predisposing syndrome. Also called: Tumor predisposition; Neoplastic Syndromes, Hereditary; Hereditary Cancer Syndrome; Hereditary neoplastic syndrome. Identifiers: Orphanet 140162, MedGen C0027672, MeSH D009386, MONDO:0015356.
Hereditary diffuse gastric adenocarcinoma (HDGC). Also called: DIFFUSE GASTRIC AND LOBULAR BREAST CANCER SYNDROME. Identifiers: Orphanet 26106, MedGen C1708349, MONDO:0007648, OMIM 137215.

Submissions (3):

Myriad Genetics, Inc.
Classification: Benign for Hereditary diffuse gastric adenocarcinoma. Last evaluated: 2024-09-20. Review status: criteria provided, single submitter. Criteria: Myriad Autosomal Dominant, Autosomal Recessive and X-Linked Classification Criteria (2023). Collection method: clinical testing. Allele origin: unknown.
Comment: This variant is considered benign. This variant is a silent/synonymous amino acid change and it is not expected to impact splicing.

Labcorp Genetics (formerly Invitae), Labcorp
Classification: Likely benign for Hereditary diffuse gastric adenocarcinoma. Last evaluated: 2024-08-06. Review status: criteria provided, single submitter. Criteria: Invitae Variant Classification Sherloc (09022015). Collection method: clinical testing. Allele origin: germline.

Ambry Genetics
Classification: Likely benign for Hereditary cancer-predisposing syndrome. Last evaluated: 2021-03-04. Review status: criteria provided, single submitter. Criteria: Ambry Variant Classification Scheme 2023. Collection method: clinical testing. Allele origin: germline.

NM_004360.5(CDH1):c.2136G>A (p.Gly712=)

Gene: CDH1 (cadherin 1; plus strand). Cytogenetic location: 16q22.1.
Variant type: single nucleotide variant.
Coding change: c.2136G>A on transcript NM_004360.5 (MANE Select); coding-DNA position 2136, G replaced by A.
Protein change: p.Gly712=; no amino-acid change (glycine 712 retained).
Molecular consequence: synonymous variant.
Genome position (GRCh38, 1-based): chr16:68,823,598, G>A. VCF-style: chr16-68823598-G-A. GRCh37 (hg19) VCF-style: chr16-68857501-G-A.
Other names: c.2136G>A (LRG_301t1); c.1953G>A, p.Gly651= (NM_001317184.2); c.588G>A, p.Gly196= (NM_001317185.2); c.171G>A, p.Gly57= (NM_001317186.2).
Identifiers: ClinVar variation 414062 (VCV000414062.13), dbSNP rs763402728, ClinGen allele CA16615260.
Genomic context (GRCh38, chr16:68,823,598, plus strand): 5'-TGGCGTCTGTAGGAAGGCACAGCCTGTCGAAGCAGGATTGCAAATTCCTGCCATTCTGGG[G>A]ATTCTTGGAGGAATTCTTGCTTTGCTAAGTAAGTCCAGCTGGCAAGTGACTCAGCCTTTG-3'
Protein context (NP_004351.1, residues 702-722): EAGLQIPAIL[Gly712=]ILGGILALLI